The following is an entry in ClinVar:

ClinVar aggregate classification (germline): Uncertain significance (1 of 4 stars; one submission).

Conditions:
Cardiovascular phenotype. Identifiers: MedGen CN230736.

gnomAD v4.1: 1 of 1,614,100 alleles (0.000062%); highest among the groups gnomAD compares: Non-Finnish European, 0.000085%; no homozygotes.

Submission:

Ambry Genetics
Classification: Uncertain significance for Cardiovascular phenotype. Last evaluated: 2026-07-28. Review status: criteria provided, single submitter. Criteria: Ambry Variant Classification Scheme 2023. Collection method: clinical testing. Allele origin: germline.
Comment: The p.E122D variant (also known as c.366A>T), located in coding exon 8 of the COL1A2 gene, results from an A to T substitution at nucleotide position 366. The glutamic acid at codon 122 is replaced by aspartic acid, an amino acid with highly similar properties. This amino acid position is conserved. In addition, the in silico prediction for this alteration is inconclusive. Based on the available evidence, the clinical significance of this variant remains unclear.

NM_000089.4(COL1A2):c.366A>T (p.Glu122Asp)

Gene: COL1A2 (collagen type I alpha 2 chain; plus strand). Cytogenetic location: 7q21.3.
Variant type: single nucleotide variant.
Coding change: c.366A>T on transcript NM_000089.4 (MANE Select); coding-DNA position 366, A replaced by T.
Protein change: p.Glu122Asp; replaces glutamic acid 122 with aspartic acid.
Molecular consequence: missense variant.
Genome position (GRCh38, 1-based): chr7:94,404,734, A>T. VCF-style: chr7-94404734-A-T. GRCh37 (hg19) VCF-style: chr7-94034046-A-T.
Other names: short protein forms E122D.
Identifiers: ClinVar variation 5034733 (VCV005034733.1).
Genomic context (GRCh38, chr7:94,404,734, plus strand): 5'-CATTCTTTTTTTCTTTTAGGGCCCTCAAGGTTTCCAAGGACCTGCTGGTGAGCCTGGTGA[A>T]CCTGGTCAAACTGTGAGTACATTTTTCCACCTTTGTGATAAGTTTTTTTCCAGGAAGTTT-3'
Protein context (NP_000080.2, residues 112-132): GFQGPAGEPG[Glu122Asp]PGQTGPAGAR